The following is an entry in ClinVar:

ClinVar aggregate classification (germline): Uncertain significance. Review status: criteria provided, multiple submitters, no conflicts (2 of 4 stars). 2 submissions from 2 submitters: Uncertain significance (2). Last evaluated 2026-05-14.

Conditions:
Cardiovascular phenotype. Identifiers: MedGen CN230736.
Long QT syndrome (LQTS). Identifiers: MedGen C0023976, MeSH D008133, MONDO:0002442. Disease mechanism: loss of function. Inheritance: Various modes of inheritance.

Submissions (2):

Ambry Genetics
Classification: Uncertain significance for Cardiovascular phenotype. Last evaluated: 2026-05-14. Review status: criteria provided, single submitter. Criteria: Ambry Variant Classification Scheme 2023. Collection method: clinical testing. Allele origin: germline.
Comment: The p.V465M variant (also known as c.1393G>A), located in coding exon 6 of the KCNH2 gene, results from a G to A substitution at nucleotide position 1393. The valine at codon 465 is replaced by methionine, an amino acid with highly similar properties. This amino acid position is conserved. In addition, this alteration is predicted to be deleterious by in silico analysis. Based on the available evidence, the clinical significance of this variant remains unclear.

Labcorp Genetics (formerly Invitae), Labcorp
Classification: Uncertain significance for Long QT syndrome. Last evaluated: 2021-07-17. Review status: criteria provided, single submitter. Criteria: Invitae Variant Classification Sherloc (09022015). Collection method: clinical testing. Allele origin: germline.
Comment: This sequence change replaces valine with methionine at codon 465 of the KCNH2 protein (p.Val465Met). The valine residue is highly conserved and there is a small physicochemical difference between valine and methionine. This variant is not present in population databases (ExAC no frequency). This variant has not been reported in the literature in individuals affected with KCNH2-related conditions. Algorithms developed to predict the effect of missense changes on protein structure and function are either unavailable or do not agree on the potential impact of this missense change (SIFT: "Deleterious"; PolyPhen-2: "Probably Damaging"; Align-GVGD: "Class C0"). In summary, the available evidence is currently insufficient to determine the role of this variant in disease. Therefore, it has been classified as a Variant of Uncertain Significance.

NM_000238.4(KCNH2):c.1393G>A (p.Val465Met)

Gene: KCNH2 (potassium voltage-gated channel subfamily H member 2; minus strand). Cytogenetic location: 7q36.1.
Variant type: single nucleotide variant.
Coding change: c.1393G>A on transcript NM_000238.4 (MANE Select); coding-DNA position 1393, G replaced by A.
Protein change: p.Val465Met; replaces valine 465 with methionine.
Molecular consequence: missense variant.
Genome position (GRCh38, 1-based): chr7:150,952,589, C>T on the plus strand (G>A on the coding strand, the complement: KCNH2 is on the minus strand). VCF-style: chr7-150952589-C-T. GRCh37 (hg19) VCF-style: chr7-150649677-C-T.
Other names: c.373G>A, p.Val125Met (NM_001204798.2, NM_172057.3); c.1105G>A, p.Val369Met (NM_001406753.1, NM_001406756.1); c.1216G>A, p.Val406Met (NM_001406755.1); c.1093G>A, p.Val365Met (NM_001406757.1); c.1393G>A, p.Val465Met (NM_172056.3); short protein forms V465M, V125M, V369M, V406M, V365M.
Identifiers: ClinVar variation 1484729 (VCV001484729.10), dbSNP rs2116970672, ClinGen allele CA369859845.